The following is an entry in ClinVar:

ClinVar aggregate classification (germline): Likely benign (0 of 4 stars; one submission).

Conditions:
RPS6KA3-related disorder. Also called: RPS6KA3-related condition.

Submission:

PreventionGenetics, part of Exact Sciences
Classification: Likely benign for RPS6KA3-related condition. Last evaluated: 2023-10-12. Review status: no assertion criteria provided. Collection method: clinical testing. Allele origin: germline.
Comment: This variant is classified as likely benign based on ACMG/AMP sequence variant interpretation guidelines (Richards et al. 2015 PMID: 25741868, with internal and published modifications).

NM_004586.3(RPS6KA3):c.845+8del

Gene: RPS6KA3 (ribosomal protein S6 kinase A3; minus strand). Cytogenetic location: Xp22.12.
Variant type: Deletion.
Coding change: c.845+8del on transcript NM_004586.3 (MANE Select); 8 bases into the intron after coding-DNA position 845, one base deleted (C; older notation c.845+8delC).
Molecular consequence: intron variant.
Genome position (GRCh38, 1-based): chrX:20,186,288, G deleted on the plus strand (C on the coding strand, the reverse complement: RPS6KA3 is on the minus strand). VCF-style (leftmost placement, unchanged base first): chrX-20186287-AG-A. GRCh37 (hg19) VCF-style: chrX-20204405-AG-A.
Identifiers: ClinVar variation 3348367 (VCV003348367.1).